The following is an entry in ClinVar:

NM_005475.3(SH2B3):c.1532G>T (p.Ser511Ile)

Gene: SH2B3 (SH2B adaptor protein 3; plus strand). Cytogenetic location: 12q24.12.
Variant type: single nucleotide variant.
Coding change: c.1532G>T on transcript NM_005475.3 (MANE Select); coding-DNA position 1532, G replaced by T.
Protein change: p.Ser511Ile; replaces serine 511 with isoleucine.
Molecular consequence: missense variant.
Genome position (GRCh38, 1-based): chr12:111,448,106, G>T. VCF-style: chr12-111448106-G-T. GRCh37 (hg19) VCF-style: chr12-111885910-G-T.
Other names: c.926G>T, p.Ser309Ile (NM_001291424.1); short protein forms S309I, S511I.
Identifiers: ClinVar variation 4163912 (VCV004163912.1).

ClinVar aggregate classification (germline): Uncertain significance (1 of 4 stars; one submission).

Conditions:
Inborn genetic diseases. Identifiers: MedGen C0950123, MeSH D030342.

Submission:

Ambry Genetics
Classification: Uncertain significance for Inborn genetic diseases. Last evaluated: 2025-06-27. Review status: criteria provided, single submitter. Criteria: Ambry Variant Classification Scheme 2023. Collection method: clinical testing. Allele origin: germline.
Comment: The p.S511I variant (also known as c.1532G>T), located in coding exon 7 of the SH2B3 gene, results from a G to T substitution at nucleotide position 1532. The serine at codon 511 is replaced by isoleucine, an amino acid with dissimilar properties. This amino acid position is conserved. In addition, this alteration is predicted to be tolerated by in silico analysis. Based on the available evidence, the clinical significance of this variant remains unclear.